The following is an entry in ClinVar:

NM_152269.5(MTRFR):c.468A>G (p.Lys156=)

Gene: MTRFR (mitochondrial translation release factor in rescue; plus strand). Cytogenetic location: 12q24.31.
Variant type: single nucleotide variant.
Coding change: c.468A>G on transcript NM_152269.5 (MANE Select); coding-DNA position 468, A replaced by G.
Protein change: p.Lys156=; no amino-acid change (lysine 156 retained).
Molecular consequence: synonymous variant.
Genome position (GRCh38, 1-based): chr12:123,256,998, A>G. VCF-style: chr12-123256998-A-G. GRCh37 (hg19) VCF-style: chr12-123741545-A-G.
Other names: c.468A>G, p.Lys156= (NM_001143905.2, NM_001194995.1).
Identifiers: ClinVar variation 517075 (VCV000517075.26), dbSNP rs147972301, ClinGen allele CA6856613.

ClinVar aggregate classification (germline): Benign/Likely benign. Review status: criteria provided, multiple submitters, no conflicts (2 of 4 stars). 5 submissions from 5 submitters: Benign (1); Likely benign (4). Last evaluated 2025-12-09.

Conditions:
MTRFR-related disorder. Also called: MTRFR-related condition.
Combined oxidative phosphorylation defect type 7. Identifiers: Orphanet 254930, MedGen C3150801, MONDO:0013306, OMIM 613559.
Spastic paraplegia. Identifiers: MedGen C0037772, HP:0001258.

Allele frequency attached by ClinVar (database versions not stated): gnomAD exomes 0.00009 and 0.00023; ExAC 0.00033; gnomAD 0.00081 and 0.00088; ESP Exome Variant Server 0.00085; TOPMed 0.00100; 1000 Genomes Project 0.00140; 1000 Genomes Project 30x 0.00156.
gnomAD v4.1: 263 of 1,612,554 alleles (0.016%); highest among the groups gnomAD compares: African/African-American, 0.28%; 1 homozygote.

Submissions (5):

Labcorp Genetics (formerly Invitae), Labcorp
Classification: Benign for Combined oxidative phosphorylation defect type 7; Spastic paraplegia. Last evaluated: 2025-12-09. Review status: criteria provided, single submitter. Criteria: Invitae Variant Classification Sherloc (09022015). Collection method: clinical testing. Allele origin: germline.

PreventionGenetics, part of Exact Sciences
Classification: Likely benign for MTRFR-related condition. Last evaluated: 2025-07-25. Review status: criteria provided, single submitter. Criteria: ACMG Guidelines, 2015. Collection method: clinical testing. Allele origin: germline.
Comment: This variant is classified as likely benign based on ACMG/AMP sequence variant interpretation guidelines (Richards et al. 2015 PMID: 25741868, with internal and published modifications).

CeGaT Center for Human Genetics Tuebingen
Classification: Likely benign. Last evaluated: 2025-06-01. Review status: criteria provided, single submitter. Criteria: CeGaT Center For Human Genetics Tuebingen Variant Classification Criteria Version 2. Collection method: clinical testing. Allele origin: germline. Affected: yes. Observed: 1 variant allele.
Comment: MTRFR: BP4, BP7

Blueprint Genetics
Classification: Likely benign. Last evaluated: 2024-11-25. Review status: criteria provided, single submitter. Criteria: ACMG Guidelines, 2015. Collection method: clinical testing. Allele origin: germline.

GeneDx
Classification: Likely benign. Last evaluated: 2020-10-14. Review status: criteria provided, single submitter. Criteria: GeneDx Variant Classification Process June 2021. Collection method: clinical testing. Allele origin: germline. Affected: yes.